The following is an entry in ClinVar:

NM_031407.7(HUWE1):c.6878C>T (p.Pro2293Leu)

Gene: HUWE1 (HECT, UBA and WWE domain containing E3 ubiquitin protein ligase 1; minus strand). Cytogenetic location: Xp11.22.
Variant type: single nucleotide variant.
Coding change: c.6878C>T on transcript NM_031407.7 (MANE Select); coding-DNA position 6878, C replaced by T.
Protein change: p.Pro2293Leu; replaces proline 2293 with leucine.
Molecular consequence: missense variant.
Genome position (GRCh38, 1-based): chrX:53,565,069, G>A on the plus strand (C>T on the coding strand, the complement: HUWE1 is on the minus strand). VCF-style: chrX-53565069-G-A. GRCh37 (hg19) VCF-style: chrX-53592030-G-A.
Other names: short protein forms P2293L.
Identifiers: ClinVar variation 3730901 (VCV003730901.2).
Genomic context (GRCh38, chrX:53,565,069, plus strand): 5'-CCCAGGCCCATAAAGCAACTACTCCCACCTCTCCAGTCCATTGGCTCTGATTCCCTACCT[G>A]GGTCCTGCTGGTTGCTACTGGAATCTTGAGAGGCTCCTTGGGCATCCTGCTCAGACTTGT-3'
Protein context (NP_113584.3, residues 2283-2303): SQDSSSNQQD[Pro2293Leu]GEPGEAEVQE

ClinVar aggregate classification (germline): Uncertain significance (1 of 4 stars; one submission).

Submission:

GeneDx
Classification: Uncertain significance. Last evaluated: 2025-05-29. Review status: criteria provided, single submitter. Criteria: GeneDx Variant Classification Process June 2021. Collection method: clinical testing. Allele origin: germline.
Comment: Not observed at significant frequency in large population cohorts (gnomAD); In silico analysis suggests that this missense variant does not alter protein structure/function; Has not been previously published as pathogenic or benign to our knowledge